The following is an entry in ClinVar:

ClinVar aggregate classification (germline): Uncertain significance. Review status: criteria provided, multiple submitters, no conflicts (2 of 4 stars). 2 submissions from 2 submitters: Uncertain significance (2). Last evaluated 2024-01-05.

Conditions:
3M syndrome 1. Also called: 3-M Syndrome, CUL7-Related. Identifiers: Orphanet 2616, MedGen C2678312, MONDO:0010117, OMIM 273750.

Allele frequency attached by ClinVar (database versions not stated): gnomAD 0.00003 and 0.00004; ExAC 0.00004; gnomAD exomes 0.00004; TOPMed 0.00004.
gnomAD v4.1: 102 of 1,614,096 alleles (0.0063%); highest among the groups gnomAD compares: Non-Finnish European, 0.0081%; no homozygotes.

Submissions (2):

Fulgent Genetics
Classification: Uncertain significance for 3M syndrome 1. Last evaluated: 2024-01-05. Review status: criteria provided, single submitter. Criteria: ACMG Guidelines, 2015. Collection method: clinical testing. Allele origin: germline.

Labcorp Genetics (formerly Invitae), Labcorp
Classification: Uncertain significance. Last evaluated: 2021-04-22. Review status: criteria provided, single submitter. Criteria: Invitae Variant Classification Sherloc (09022015). Collection method: clinical testing. Allele origin: germline.
Comment: In summary, the available evidence is currently insufficient to determine the role of this variant in disease. Therefore, it has been classified as a Variant of Uncertain Significance. Algorithms developed to predict the effect of missense changes on protein structure and function output the following: SIFT: "Deleterious"; PolyPhen-2: "Benign"; Align-GVGD: "Class C0". The methionine amino acid residue is found in multiple mammalian species, suggesting that this missense change does not adversely affect protein function. These predictions have not been confirmed by published functional studies and their clinical significance is uncertain. This variant has not been reported in the literature in individuals with CUL7-related conditions. This variant is present in population databases (rs750950788, ExAC 0.01%). This sequence change replaces threonine with methionine at codon 857 of the CUL7 protein (p.Thr857Met). The threonine residue is highly conserved and there is a moderate physicochemical difference between threonine and methionine.

NM_014780.5(CUL7):c.2570C>T (p.Thr857Met)

Gene: CUL7 (cullin 7; minus strand). Cytogenetic location: 6p21.1.
Variant type: single nucleotide variant.
Coding change: c.2570C>T on transcript NM_014780.5 (MANE Select); coding-DNA position 2570, C replaced by T.
Protein change: p.Thr857Met; replaces threonine 857 with methionine.
Molecular consequence: missense variant.
Genome position (GRCh38, 1-based): chr6:43,046,326, G>A on the plus strand (C>T on the coding strand, the complement: CUL7 is on the minus strand). VCF-style: chr6-43046326-G-A. GRCh37 (hg19) VCF-style: chr6-43014064-G-A.
Other names: c.2666C>T, p.Thr889Met (NM_001168370.2, NM_001374872.1); c.2570C>T, p.Thr857Met (NM_001374873.1, NM_001374874.1); short protein forms T857M, T889M.
Identifiers: ClinVar variation 1399170 (VCV001399170.8), dbSNP rs750950788, ClinGen allele CA3813801.
Genomic context (GRCh38, chr6:43,046,326, plus strand): 5'-GTGATGTAGTGGGAGCCGGCGCTGCCGTTGGACTCCCAATAGGTCTTGGGGTTGTGGTCC[G>A]TCAGCTTGCTGGCCCGGTGCGGGTTGGAGGACACCTCCACCTTCTCCCAGCACTTGTCCT-3'
Protein context (NP_055595.2, residues 847-867): SSNPHRASKL[Thr857Met]DHNPKTYWES